The following is an entry in ClinVar:

NM_002474.3(MYH11):c.2469C>G (p.Cys823Trp)

Gene: MYH11 (myosin heavy chain 11; minus strand). Cytogenetic location: 16p13.11.
Variant type: single nucleotide variant.
Coding change: c.2469C>G on transcript NM_002474.3 (MANE Select); coding-DNA position 2469, C replaced by G.
Protein change: p.Cys823Trp; replaces cysteine 823 with tryptophan.
Molecular consequence: missense variant.
Genome position (GRCh38, 1-based): chr16:15,745,180, G>C on the plus strand (C>G on the coding strand, the complement: MYH11 is on the minus strand). VCF-style: chr16-15745180-G-C. GRCh37 (hg19) VCF-style: chr16-15839037-G-C.
Other names: c.2490C>G, p.Cys830Trp (NM_001040113.2, NM_001040114.2); c.2469C>G, p.Cys823Trp (NM_022844.3); short protein forms C823W, C830W.
Identifiers: ClinVar variation 4805264 (VCV004805264.1).

ClinVar aggregate classification (germline): Uncertain significance (1 of 4 stars; one submission).

Conditions:
Aortic aneurysm, familial thoracic 4 (AAT4). Also called: AORTIC ANEURYSM/AORTIC DISSECTION AND PATENT DUCTUS ARTERIOSUS. Identifiers: MedGen C1851504, MONDO:0007568, OMIM 132900.

Submission:

Labcorp Genetics (formerly Invitae), Labcorp
Classification: Uncertain significance for Aortic aneurysm, familial thoracic 4. Last evaluated: 2025-03-23. Review status: criteria provided, single submitter. Criteria: Invitae Variant Classification Sherloc (09022015). Collection method: clinical testing. Allele origin: germline.
Comment: This sequence change replaces cysteine, which is neutral and slightly polar, with tryptophan, which is neutral and slightly polar, at codon 830 of the MYH11 protein (p.Cys830Trp). This variant is not present in population databases (gnomAD no frequency). This variant has not been reported in the literature in individuals affected with MYH11-related conditions. Invitae Evidence Modeling of protein sequence and biophysical properties (such as structural, functional, and spatial information, amino acid conservation, physicochemical variation, residue mobility, and thermodynamic stability) indicates that this missense variant is not expected to disrupt MYH11 protein function with a negative predictive value of 95%. In summary, the available evidence is currently insufficient to determine the role of this variant in disease. Therefore, it has been classified as a Variant of Uncertain Significance.